The following is an entry in ClinVar:

ClinVar aggregate classification (germline): Uncertain significance (1 of 4 stars; one submission).

gnomAD v4.1: 3 of 1,612,780 alleles (0.00019%); highest among the groups gnomAD compares: Non-Finnish European, 0.00025%; no homozygotes.

Submission:

GeneDx
Classification: Uncertain significance. Last evaluated: 2024-12-31. Review status: criteria provided, single submitter. Criteria: GeneDx Variant Classification Process June 2021. Collection method: clinical testing. Allele origin: germline. Affected: yes.
Comment: In silico analysis supports that this missense variant has a deleterious effect on protein structure/function; Has not been previously published as pathogenic or benign to our knowledge

NM_001083619.3(GRIA2):c.1406G>A (p.Gly469Asp)

Gene: GRIA2 (glutamate ionotropic receptor AMPA type subunit 2; plus strand). Cytogenetic location: 4q32.1.
Variant type: single nucleotide variant.
Coding change: c.1406G>A on transcript NM_001083619.3 (MANE Select); coding-DNA position 1406, G replaced by A.
Protein change: p.Gly469Asp; replaces glycine 469 with aspartic acid.
Molecular consequence: missense variant.
Genome position (GRCh38, 1-based): chr4:157,335,810, G>A. VCF-style: chr4-157335810-G-A. GRCh37 (hg19) VCF-style: chr4-158256962-G-A.
Other names: c.1406G>A, p.Gly469Asp (NM_000826.6); c.1265G>A, p.Gly422Asp (NM_001083620.3, NM_001379000.3, NM_001379001.3); short protein forms G422D, G469D.
Identifiers: ClinVar variation 3907719 (VCV003907719.1).